The following is an entry in ClinVar:

ClinVar aggregate classification (germline): Likely benign. Review status: criteria provided, multiple submitters, no conflicts (2 of 4 stars). 3 submissions from 3 submitters: Likely benign (2). 1 of the submissions does not count toward it. Last evaluated 2026-01-19.

Conditions:
MYO15A-related disorder. Also called: MYO15A-related condition.

Allele frequency attached by ClinVar (database versions not stated): ExAC below 0.00001; gnomAD 0.00001; gnomAD exomes 0.00003 and 0.00001; TOPMed 0.00004; ESP Exome Variant Server 0.00008.

Submissions (3):

Labcorp Genetics (formerly Invitae), Labcorp
Classification: Likely benign. Last evaluated: 2026-01-19. Review status: criteria provided, single submitter. Criteria: Invitae Variant Classification Sherloc (09022015). Collection method: clinical testing. Allele origin: germline.

GeneDx
Classification: Likely benign. Last evaluated: 2018-04-10. Review status: criteria provided, single submitter. Criteria: GeneDx Variant Classification (06012015). Collection method: clinical testing. Allele origin: germline. Affected: yes.
Comment: This variant is considered likely benign or benign based on one or more of the following criteria: it is a conservative change, it occurs at a poorly conserved position in the protein, it is predicted to be benign by multiple in silico algorithms, and/or has population frequency not consistent with disease.

PreventionGenetics, part of Exact Sciences
Classification: Likely benign for MYO15A-related condition. Last evaluated: 2019-07-02. Review status: no assertion criteria provided. Collection method: clinical testing. Allele origin: germline. Not counted in ClinVar's aggregate classification.
Comment: This variant is classified as likely benign based on ACMG/AMP sequence variant interpretation guidelines (Richards et al. 2015 PMID: 25741868, with internal and published modifications).

NM_016239.4(MYO15A):c.7893+10G>A

Gene: MYO15A (myosin XVA; plus strand). Cytogenetic location: 17p11.2.
Variant type: single nucleotide variant.
Coding change: c.7893+10G>A on transcript NM_016239.4 (MANE Select); 10 bases into the intron after coding-DNA position 7893, G replaced by A.
Molecular consequence: intron variant.
Genome position (GRCh38, 1-based): chr17:18,151,961, G>A. VCF-style: chr17-18151961-G-A. GRCh37 (hg19) VCF-style: chr17-18055275-G-A.
Identifiers: ClinVar variation 681344 (VCV000681344.6), dbSNP rs373557101, ClinGen allele CA8424963.